The following is an entry in ClinVar:

ClinVar aggregate classification (germline): Uncertain significance (1 of 4 stars; one submission).

Conditions:
Hereditary cancer-predisposing syndrome. Also called: Neoplastic Syndromes, Hereditary; Hereditary neoplastic syndrome; Tumor predisposition; Hereditary Cancer Syndrome. Identifiers: Orphanet 140162, MedGen C0027672, MeSH D009386, MONDO:0015356.

Submission:

Ambry Genetics
Classification: Uncertain significance for Hereditary cancer-predisposing syndrome. Last evaluated: 2022-12-29. Review status: criteria provided, single submitter. Criteria: Ambry Variant Classification Scheme 2023. Collection method: clinical testing. Allele origin: germline.
Comment: The p.E632Q variant (also known as c.1894G>C), located in coding exon 11 of the RET gene, results from a G to C substitution at nucleotide position 1894. The glutamic acid at codon 632 is replaced by glutamine, an amino acid with highly similar properties. This amino acid position is conserved. In addition, the in silico prediction for this alteration is inconclusive. Since supporting evidence is limited at this time, the clinical significance of this alteration remains unclear.

NM_020975.6(RET):c.1894G>C (p.Glu632Gln)

Gene: RET (ret proto-oncogene; plus strand). Cytogenetic location: 10q11.21.
Variant type: single nucleotide variant.
Coding change: c.1894G>C on transcript NM_020975.6 (MANE Select); coding-DNA position 1894, G replaced by C.
Protein change: p.Glu632Gln; replaces glutamic acid 632 with glutamine.
Molecular consequence: missense variant. On other transcripts: intron variant (4).
Genome position (GRCh38, 1-based): chr10:43,114,494, G>C. VCF-style: chr10-43114494-G-C. GRCh37 (hg19) VCF-style: chr10-43609942-G-C.
Other names: c.1894G>C, p.Glu632Gln (NM_000323.2, NM_001406743.1, NM_001406744.1 and 4 more transcripts); c.1132G>C, p.Glu378Gln (NM_001355216.2); c.1765G>C, p.Glu589Gln (NM_001406761.1, NM_001406762.1, NM_001406764.1); c.1606G>C, p.Glu536Gln (NM_001406766.1, NM_001406767.1, NM_001406770.1); c.1498G>C, p.Glu500Gln (NM_001406769.1, NM_001406772.1); c.1456G>C, p.Glu486Gln (NM_001406771.1, NM_001406773.1); c.1369G>C, p.Glu457Gln (NM_001406774.1); c.1168G>C, p.Glu390Gln (NM_001406775.1, NM_001406776.1, NM_001406777.1 and 1 more transcripts); and 10 more; short protein forms E293Q, E302Q, E486Q, E290Q, E457Q, E632Q, E197Q, E333Q.
Identifiers: ClinVar variation 2496741 (VCV002496741.2), dbSNP rs377767407, ClinGen allele CA376552902.